The following is an entry in ClinVar:

NM_004370.6(COL12A1):c.598A>G (p.Arg200Gly)

Gene: COL12A1 (collagen type XII alpha 1 chain; minus strand). Cytogenetic location: 6q13.
Variant type: single nucleotide variant.
Coding change: c.598A>G on transcript NM_004370.6 (MANE Select); coding-DNA position 598, A replaced by G.
Protein change: p.Arg200Gly; replaces arginine 200 with glycine.
Molecular consequence: missense variant. On other transcripts: intron variant (2).
Genome position (GRCh38, 1-based): chr6:75,189,612, T>C on the plus strand (A>G on the coding strand, the complement: COL12A1 is on the minus strand). VCF-style: chr6-75189612-T-C. GRCh37 (hg19) VCF-style: chr6-75899328-T-C.
Other names: c.598A>G, p.Arg200Gly (NM_001424113.1, NM_001424114.1, NM_001424115.1); c.73+13108A>G (NM_001424116.1, NM_080645.3); short protein forms R200G.
Identifiers: ClinVar variation 2948837 (VCV002948837.3), dbSNP rs2533603290, ClinGen allele CA364728753.

ClinVar aggregate classification (germline): Uncertain significance (1 of 4 stars; one submission).

Conditions:
Ullrich congenital muscular dystrophy 2 (UCMD2). Identifiers: Orphanet 75840, MedGen C4225314, MONDO:0014654, OMIM 616470.
Bethlem myopathy 2 (BTHLM2). Identifiers: Orphanet 536516, Orphanet 610, MedGen C4225313, MONDO:0034022, OMIM 616471.

Allele frequency attached by ClinVar (database versions not stated): gnomAD exomes below 0.00001.
gnomAD v4.1: 1 of 1,613,354 alleles (0.000062%); highest among the groups gnomAD compares: Non-Finnish European, 0.000085%; no homozygotes.

Submission:

Labcorp Genetics (formerly Invitae), Labcorp
Classification: Uncertain significance for Bethlem myopathy 2; Ullrich congenital muscular dystrophy 2. Last evaluated: 2023-06-14. Review status: criteria provided, single submitter. Criteria: Invitae Variant Classification Sherloc (09022015). Collection method: clinical testing. Allele origin: germline.
Comment: In summary, the available evidence is currently insufficient to determine the role of this variant in disease. Therefore, it has been classified as a Variant of Uncertain Significance. Advanced modeling of protein sequence and biophysical properties (such as structural, functional, and spatial information, amino acid conservation, physicochemical variation, residue mobility, and thermodynamic stability) performed at Invitae indicates that this missense variant is not expected to disrupt COL12A1 protein function. This variant has not been reported in the literature in individuals affected with COL12A1-related conditions. This variant is not present in population databases (gnomAD no frequency). This sequence change replaces arginine, which is basic and polar, with glycine, which is neutral and non-polar, at codon 200 of the COL12A1 protein (p.Arg200Gly).